The following is an entry in ClinVar:

ClinVar aggregate classification (germline): Uncertain significance. Review status: criteria provided, multiple submitters, no conflicts (2 of 4 stars). 2 submissions from 2 submitters: Uncertain significance (2). Last evaluated 2024-08-05.

Conditions:
Inborn genetic diseases. Identifiers: MedGen C0950123, MeSH D030342.

Allele frequency attached by ClinVar (database versions not stated): gnomAD 0.00001; TOPMed 0.00001; ExAC 0.00002; gnomAD exomes 0.00002; ESP Exome Variant Server 0.00008.
gnomAD v4.1: 27 of 1,613,790 alleles (0.0017%); highest among the groups gnomAD compares: Admixed American, 0.005%; no homozygotes.

Submissions (2):

Ambry Genetics
Classification: Uncertain significance for Inborn genetic diseases. Last evaluated: 2024-08-05. Review status: criteria provided, single submitter. Criteria: Ambry Variant Classification Scheme 2023. Collection method: clinical testing. Allele origin: germline.

Labcorp Genetics (formerly Invitae), Labcorp
Classification: Uncertain significance. Last evaluated: 2022-01-18. Review status: criteria provided, single submitter. Criteria: Invitae Variant Classification Sherloc (09022015). Collection method: clinical testing. Allele origin: germline.
Comment: This sequence change replaces glycine, which is neutral and non-polar, with arginine, which is basic and polar, at codon 531 of the PTPN23 protein (p.Gly531Arg). This variant is present in population databases (rs372305913, gnomAD 0.006%). This variant has not been reported in the literature in individuals affected with PTPN23-related conditions. Algorithms developed to predict the effect of missense changes on protein structure and function are either unavailable or do not agree on the potential impact of this missense change (SIFT: "Tolerated"; PolyPhen-2: "Not Available"; Align-GVGD: "Class C0"). Algorithms developed to predict the effect of sequence changes on RNA splicing suggest that this variant may create or strengthen a splice site. In summary, the available evidence is currently insufficient to determine the role of this variant in disease. Therefore, it has been classified as a Variant of Uncertain Significance.

NM_015466.4(PTPN23):c.1591G>A (p.Gly531Arg)

Gene: PTPN23 (protein tyrosine phosphatase non-receptor type 23; plus strand). Cytogenetic location: 3p21.31.
Variant type: single nucleotide variant.
Coding change: c.1591G>A on transcript NM_015466.4 (MANE Select); coding-DNA position 1591, G replaced by A.
Protein change: p.Gly531Arg; replaces glycine 531 with arginine.
Molecular consequence: missense variant.
Genome position (GRCh38, 1-based): chr3:47,409,036, G>A. VCF-style: chr3-47409036-G-A. GRCh37 (hg19) VCF-style: chr3-47450526-G-A.
Other names: c.1213G>A, p.Gly405Arg (NM_001304482.2); c.1591G>A (NM_015466.2); short protein forms G531R, G405R.
Identifiers: ClinVar variation 2085342 (VCV002085342.2), dbSNP rs372305913, ClinGen allele CA2365765.
Genomic context (GRCh38, chr3:47,409,036, plus strand): 5'-ACCAACAGTGAGCTGCACCGTGCCATGAACCTGCACGTCGGCAACCTGCGCCTGCTCAGC[G>A]GGCCGCTTGACCAGGTCCGGGCTGCCCTGCCCACACCGGCCCTCTCCCCAGGTGAGCCCC-3'
Protein context (NP_056281.1, residues 521-541): LHVGNLRLLS[Gly531Arg]PLDQVRAALP